The following is an entry in ClinVar:

ClinVar aggregate classification (germline): Uncertain significance (1 of 4 stars; one submission).

Conditions:
Inborn genetic diseases. Identifiers: MedGen C0950123, MeSH D030342.

gnomAD v4.1: 1 of 1,614,084 alleles (0.000062%); highest among the groups gnomAD compares: Non-Finnish European, 0.000085%; no homozygotes.

Submission:

Ambry Genetics
Classification: Uncertain significance for Inborn genetic diseases. Last evaluated: 2025-11-09. Review status: criteria provided, single submitter. Criteria: Ambry Variant Classification Scheme 2023. Collection method: clinical testing. Allele origin: germline.
Comment: The p.H313Q variant (also known as c.939T>G), located in coding exon 6 of the MECOM gene, results from a T to G substitution at nucleotide position 939. The histidine at codon 313 is replaced by glutamine, an amino acid with highly similar properties. This amino acid position is conserved. In addition, this alteration is predicted to be deleterious by in silico analysis. Based on the available evidence, the clinical significance of this variant remains unclear.

NM_004991.4(MECOM):c.939T>G (p.His313Gln)

Gene: MECOM (MDS1 and EVI1 complex locus; minus strand). Cytogenetic location: 3q26.2.
Variant type: single nucleotide variant.
Coding change: c.939T>G on transcript NM_004991.4 (MANE Select); coding-DNA position 939, T replaced by G.
Protein change: p.His313Gln; replaces histidine 313 with glutamine.
Molecular consequence: missense variant.
Genome position (GRCh38, 1-based): chr3:169,122,619, A>C on the plus strand (T>G on the coding strand, the complement: MECOM is on the minus strand). VCF-style: chr3-169122619-A-C. GRCh37 (hg19) VCF-style: chr3-168840407-A-C.
Other names: c.375T>G, p.His125Gln (NM_001366468.2, NM_001366469.2, NM_001366470.2 and 9 more transcripts); c.939T>G, p.His313Gln (NM_001366473.2, NM_001366466.2); c.567T>G, p.His189Gln (NM_001105077.4); short protein forms H189Q, H313Q, H125Q.
Identifiers: ClinVar variation 4624688 (VCV004624688.1).